The following is an entry in ClinVar:

NM_001199107.2(TBC1D24):c.1039G>A (p.Val347Met)

Gene: TBC1D24 (TBC1 domain family member 24; plus strand). Cytogenetic location: 16p13.3.
Variant type: single nucleotide variant.
Coding change: c.1039G>A on transcript NM_001199107.2 (MANE Select); coding-DNA position 1039, G replaced by A.
Protein change: p.Val347Met; replaces valine 347 with methionine.
Molecular consequence: missense variant.
Genome position (GRCh38, 1-based): chr16:2,498,293, G>A. VCF-style: chr16-2498293-G-A. GRCh37 (hg19) VCF-style: chr16-2548294-G-A.
Other names: c.1021G>A, p.Val341Met (NM_020705.3); short protein forms V347M, V341M.
Identifiers: ClinVar variation 493168 (VCV000493168.53), dbSNP rs371031447, ClinGen allele CA7844142.

ClinVar aggregate classification (germline): Uncertain significance. Review status: criteria provided, multiple submitters, no conflicts (2 of 4 stars). 3 submissions from 3 submitters: Uncertain significance (3). Last evaluated 2025-09-25.

Conditions:
Autosomal dominant nonsyndromic hearing loss 65. Also called: TBC1D24-Related Autosomal Dominant Nonsyndromic Hearing Loss (DFNA); Deafness, autosomal dominant 65. Identifiers: Orphanet 90635, MedGen C3892048, MONDO:0014470, OMIM 616044.
Developmental and epileptic encephalopathy, 1 (DEE1). Also called: X-linked infantile spasms; West's syndrome; Tonic spasms with clustering, arrest of psychomotor development and hypsarrhythmia on EEG; X-Linked Infantile Spasm Syndrome; INFANTILE SPASM SYNDROME, X-LINKED 1; Epileptic encephalopathy, early infantile, 1. Identifiers: MedGen C3463992, MONDO:0010632, OMIM 308350. Disease mechanism: loss of function.

Allele frequency attached by ClinVar (database versions not stated): ExAC 0.00001; gnomAD exomes 0.00002 and 0.00003; gnomAD 0.00005 and 0.00006; TOPMed 0.00005; ESP Exome Variant Server 0.00008.
gnomAD v4.1: 54 of 1,611,640 alleles (0.0034%); highest among the groups gnomAD compares: African/African-American, 0.0093%; no homozygotes.

Submissions (3):

Labcorp Genetics (formerly Invitae), Labcorp
Classification: Uncertain significance for Developmental and epileptic encephalopathy, 1; Autosomal dominant nonsyndromic hearing loss 65. Last evaluated: 2025-09-25. Review status: criteria provided, single submitter. Criteria: Invitae Variant Classification Sherloc (09022015). Collection method: clinical testing. Allele origin: germline.
Comment: This sequence change replaces valine, which is neutral and non-polar, with methionine, which is neutral and non-polar, at codon 347 of the TBC1D24 protein (p.Val347Met). This variant is present in population databases (rs371031447, gnomAD 0.02%). This variant has not been reported in the literature in individuals affected with TBC1D24-related conditions. ClinVar contains an entry for this variant (Variation ID: 493168). Invitae Evidence Modeling of protein sequence and biophysical properties (such as structural, functional, and spatial information, amino acid conservation, physicochemical variation, residue mobility, and thermodynamic stability) indicates that this missense variant is not expected to disrupt TBC1D24 protein function with a negative predictive value of 80%. In summary, the available evidence is currently insufficient to determine the role of this variant in disease. Therefore, it has been classified as a Variant of Uncertain Significance.

GeneDx
Classification: Uncertain significance. Last evaluated: 2025-07-27. Review status: criteria provided, single submitter. Criteria: GeneDx Variant Classification Process June 2021. Collection method: clinical testing. Allele origin: germline. Affected: yes.
Comment: In silico analysis suggests that this missense variant does not alter protein structure/function; Has not been previously published as pathogenic or benign to our knowledge

CeGaT Center for Human Genetics Tuebingen
Classification: Uncertain significance. Last evaluated: 2017-08-01. Review status: criteria provided, single submitter. Criteria: CeGaT Center For Human Genetics Tuebingen Variant Classification Criteria Version 2. Collection method: clinical testing. Allele origin: germline. Affected: yes. Observed: 1 variant allele.